The following is an entry in ClinVar:

ClinVar aggregate classification (germline): Uncertain significance (1 of 4 stars; one submission).

Conditions:
Perlman syndrome (PRLMNS). Identifiers: Orphanet 2849, MedGen C0796113, MONDO:0009965, OMIM 267000.

Submission:

Labcorp Genetics (formerly Invitae), Labcorp
Classification: Uncertain significance for Perlman syndrome. Last evaluated: 2021-09-23. Review status: criteria provided, single submitter. Criteria: Invitae Variant Classification Sherloc (09022015). Collection method: clinical testing. Allele origin: germline.
Comment: This sequence change replaces aspartic acid with asparagine at codon 256 of the DIS3L2 protein (p.Asp256Asn). The aspartic acid residue is moderately conserved and there is a small physicochemical difference between aspartic acid and asparagine. This variant is not present in population databases (ExAC no frequency). This variant has not been reported in the literature in individuals affected with DIS3L2-related conditions. Algorithms developed to predict the effect of missense changes on protein structure and function (SIFT, PolyPhen-2, Align-GVGD) all suggest that this variant is likely to be tolerated. In summary, the available evidence is currently insufficient to determine the role of this variant in disease. Therefore, it has been classified as a Variant of Uncertain Significance.

NM_152383.5(DIS3L2):c.766G>A (p.Asp256Asn)

Gene: DIS3L2 (DIS3 like 3'-5' exoribonuclease 2; plus strand). Cytogenetic location: 2q37.1.
Variant type: single nucleotide variant.
Coding change: c.766G>A on transcript NM_152383.5 (MANE Select); coding-DNA position 766, G replaced by A.
Protein change: p.Asp256Asn; replaces aspartic acid 256 with asparagine.
Molecular consequence: missense variant. On other transcripts: non-coding transcript variant (1).
Genome position (GRCh38, 1-based): chr2:232,136,535, G>A. VCF-style: chr2-232136535-G-A. GRCh37 (hg19) VCF-style: chr2-233001245-G-A.
Other names: c.766G>A, p.Asp256Asn (NM_001257281.2); short protein forms D256N.
Identifiers: ClinVar variation 1446925 (VCV001446925.6), dbSNP rs2106355341, ClinGen allele CA351153539.